The following is an entry in ClinVar:

NM_003239.5(TGFB3):c.830A>G (p.His277Arg)

Gene: TGFB3 (transforming growth factor beta 3; minus strand). Cytogenetic location: 14q24.3.
Variant type: single nucleotide variant.
Coding change: c.830A>G on transcript NM_003239.5 (MANE Select); coding-DNA position 830, A replaced by G.
Protein change: p.His277Arg; replaces histidine 277 with arginine.
Molecular consequence: missense variant.
Genome position (GRCh38, 1-based): chr14:75,963,412, T>C on the plus strand (A>G on the coding strand, the complement: TGFB3 is on the minus strand). VCF-style: chr14-75963412-T-C. GRCh37 (hg19) VCF-style: chr14-76429755-T-C.
Other names: c.830A>G, p.His277Arg (NM_001329938.2, NM_001329939.2); short protein forms H277R.
Identifiers: ClinVar variation 1040719 (VCV001040719.9), dbSNP rs1382239332, ClinGen allele CA390468463.

ClinVar aggregate classification (germline): Uncertain significance (1 of 4 stars; one submission).

Conditions:
Rienhoff syndrome. Also called: LOEYS-DIETZ SYNDROME 5. Identifiers: MedGen C3810012, MONDO:0014262, OMIM 615582.

Allele frequency attached by ClinVar (database versions not stated): gnomAD exomes below 0.00001; TOPMed below 0.00001.
gnomAD v4.1: 2 of 1,614,116 alleles (0.00012%); highest among the groups gnomAD compares: East Asian, 0.0022%; no homozygotes.

Submission:

Labcorp Genetics (formerly Invitae), Labcorp
Classification: Uncertain significance for Rienhoff syndrome. Last evaluated: 2020-01-31. Review status: criteria provided, single submitter. Criteria: Invitae Variant Classification Sherloc (09022015). Collection method: clinical testing. Allele origin: germline.
Comment: This sequence change replaces histidine with arginine at codon 277 of the TGFB3 protein (p.His277Arg). The histidine residue is highly conserved and there is a small physicochemical difference between histidine and arginine. In summary, the available evidence is currently insufficient to determine the role of this variant in disease. Therefore, it has been classified as a Variant of Uncertain Significance. Algorithms developed to predict the effect of missense changes on protein structure and function are either unavailable or do not agree on the potential impact of this missense change (SIFT: "Deleterious"; PolyPhen-2: "Probably Damaging"; Align-GVGD: "Class C0"). This variant has not been reported in the literature in individuals with TGFB3-related conditions. This variant is not present in population databases (ExAC no frequency).